The following is an entry in ClinVar:

NM_000352.6(ABCC8):c.4609-40A>G

Gene: ABCC8 (ATP binding cassette subfamily C member 8; minus strand). Cytogenetic location: 11p15.1.
Variant type: single nucleotide variant.
Coding change: c.4609-40A>G on transcript NM_000352.6 (MANE Select); 40 bases into the intron before coding-DNA position 4609, A replaced by G.
Molecular consequence: intron variant.
Genome position (GRCh38, 1-based): chr11:17,393,168, T>C on the plus strand (A>G on the coding strand, the complement: ABCC8 is on the minus strand). VCF-style: chr11-17393168-T-C. GRCh37 (hg19) VCF-style: chr11-17414715-T-C.
Other names: c.4606-40A>G (NM_001351297.2); c.4609-40A>G (NM_001351296.2); c.4675-40A>G (NM_001351295.2); c.4612-40A>G (NM_001287174.3).
Identifiers: ClinVar variation 157704 (VCV000157704.13), dbSNP rs1109591, ClinGen allele CA171085.

ClinVar aggregate classification (germline): Benign/Likely benign. Review status: criteria provided, multiple submitters, no conflicts (2 of 4 stars). 9 submissions from 5 submitters: Benign (5); Likely benign (1). 3 of the submissions do not count toward it. Last evaluated 2021-07-01.

Conditions:
Diabetes mellitus, permanent neonatal 3. Also called: ABCC8-Related Permanent Neonatal Diabetes Mellitus. Identifiers: MedGen C5394303, MONDO:0030088, OMIM 618857.
Transitory neonatal diabetes mellitus. Also called: Transient neonatal diabetes mellitus. Identifiers: MedGen C0342273, MONDO:0020525, HP:0008255.
Maturity-onset diabetes of the young (MODY). Also called: Maturity onset diabetes mellitus in young. Identifiers: Orphanet 552, MedGen C0342276, MONDO:0018911, HP:0004904.
Diabetes mellitus, transient neonatal, 2 (TNDM2). Identifiers: Orphanet 99886, MedGen C1835887, MONDO:0012480, OMIM 610374. Disease mechanism: loss of function.
Leucine-induced hypoglycemia (LIH). Also called: LEUCINE-SENSITIVE HYPOGLYCEMIA OF INFANCY. Identifiers: MedGen C0271714, MONDO:0009415, OMIM 240800.
Hyperinsulinemic hypoglycemia, familial, 1 (HHF1). Also called: Persistent hyperinsulinemic hypoglycemia of infancy; NESIDIOBLASTOSIS OF PANCREAS; Persistent Hyperinsulinemia Hypoglycemia of Infancy; HYPERINSULINISM, FAMILIAL, WITH PANCREATIC NESIDIOBLASTOSIS; HYPOGLYCEMIA, HYPERINSULINEMIC, OF INFANCY. Identifiers: Orphanet 276575, Orphanet 276598, MedGen C2931832, MONDO:0009734, OMIM 256450.

Allele frequency attached by ClinVar (database versions not stated): gnomAD exomes 0.33398 and 0.34206; ExAC 0.34386; 1000 Genomes Project 0.35623; 1000 Genomes Project 30x 0.36259; gnomAD 0.36267 and 0.36421; ESP Exome Variant Server 0.37209; TOPMed 0.38398.
gnomAD v4.1: 539,115 of 1,599,700 alleles (34%); highest among the groups gnomAD compares: Middle Eastern, 50%; 95,160 homozygotes.

Submissions (9):

Pars Genome Lab
Classification: Benign for Leucine-induced hypoglycemia. Last evaluated: 2021-07-01. Review status: criteria provided, single submitter. Criteria: ACMG Guidelines, 2015. Collection method: clinical testing. Allele origin: germline. Affected: no.

Pars Genome Lab
Classification: Benign for Hyperinsulinemic hypoglycemia, familial, 1. Last evaluated: 2021-07-01. Review status: criteria provided, single submitter. Criteria: ACMG Guidelines, 2015. Collection method: clinical testing. Allele origin: germline. Affected: no.

Pars Genome Lab
Classification: Benign for Diabetes mellitus, transient neonatal, 2. Last evaluated: 2021-07-01. Review status: criteria provided, single submitter. Criteria: ACMG Guidelines, 2015. Collection method: clinical testing. Allele origin: germline. Affected: no.

Pars Genome Lab
Classification: Benign for Diabetes mellitus, permanent neonatal 3. Last evaluated: 2021-07-01. Review status: criteria provided, single submitter. Criteria: ACMG Guidelines, 2015. Collection method: clinical testing. Allele origin: germline. Affected: no.

GeneDx
Classification: Benign. Last evaluated: 2018-08-09. Review status: criteria provided, single submitter. Criteria: GeneDx Variant Classification Process June 2021. Collection method: clinical testing. Allele origin: germline. Affected: yes.

Blueprint Genetics
Classification: Likely benign. Last evaluated: 2018-06-25. Review status: criteria provided, single submitter. Criteria: ACMG Guidelines, 2015. Collection method: clinical testing. Allele origin: germline.

Genetic Services Laboratory, University of Chicago
Classification: Likely benign. Review status: no assertion criteria provided. Collection method: clinical testing. Allele origin: germline. Inheritance: Autosomal unknown. Not counted in ClinVar's aggregate classification.
Comment: Likely benign based on allele frequency in 1000 Genomes Project or ESP global frequency and its presence in a patient with a rare or unrelated disease phenotype. NOT Sanger confirmed

Clinical Genomics, Uppaluri K&H Personalized Medicine Clinic
Classification: Uncertain significance for Maturity-onset diabetes of the young. Review status: flagged submission. Criteria: K & H Uppaluri Personalized Medicine Clinic Variant Classification & Assertion Criteria_Updated V.1. Collection method: research. Allele origin: somatic. Inheritance: Somatic mutation. Not counted in ClinVar's aggregate classification.
Comment: Mutations in ABCC8 gene are associated with both neonatal diabetes mellitus as well as MODY. Patients with this mutation may have a better response to sulfonylureas. However, no sufficient evidence is found to ascertain the role of this particular variant (rs1109591) in MODY yet.
ClinVar note: Reason: Outlier claim with insufficient supporting evidence

Clinical Genomics, Uppaluri K&H Personalized Medicine Clinic
Classification: Uncertain significance for Transitory neonatal diabetes mellitus. Review status: flagged submission. Criteria: K & H Uppaluri Personalized Medicine Clinic Variant Classification & Assertion Criteria_Updated V.1. Collection method: research. Allele origin: somatic. Inheritance: Somatic mutation. Not counted in ClinVar's aggregate classification.
Comment: Mutations in ABCC8 gene are associated with both neonatal diabetes mellitus as well as MODY. Patients with this mutation may have a better response to sulfonylureas. However, no sufficient evidence is found to ascertain the role of this particular variant (rs1109591 ) in neonatal diabetes yet.
ClinVar note: Reason: Outlier claim with insufficient supporting evidence

Literature cited by the submitters: PubMed 16885549 (cited by Clinical Genomics, Uppaluri K&H Personalized Medicine Clinic); PubMed 21989597 (cited by Clinical Genomics, Uppaluri K&H Personalized Medicine Clinic); PubMed 27538677 (cited by Clinical Genomics, Uppaluri K&H Personalized Medicine Clinic); PubMed 18981553 (cited by Clinical Genomics, Uppaluri K&H Personalized Medicine Clinic); PubMed 32027066 (cited by Clinical Genomics, Uppaluri K&H Personalized Medicine Clinic); PubMed 16613899 (cited by Clinical Genomics, Uppaluri K&H Personalized Medicine Clinic); PubMed 18025408 (cited by Clinical Genomics, Uppaluri K&H Personalized Medicine Clinic); PubMed 32792356 (cited by Clinical Genomics, Uppaluri K&H Personalized Medicine Clinic).